The following is an entry in ClinVar:

ClinVar aggregate classification (germline): Uncertain significance. Review status: criteria provided, multiple submitters, no conflicts (2 of 4 stars). 3 submissions from 3 submitters: Uncertain significance (3). Last evaluated 2025-11-17.

Conditions:
Hereditary cancer-predisposing syndrome. Also called: Hereditary neoplastic syndrome; Tumor predisposition; Neoplastic Syndromes, Hereditary; Hereditary Cancer Syndrome. Identifiers: Orphanet 140162, MedGen C0027672, MeSH D009386, MONDO:0015356.
Basal cell carcinoma, susceptibility to, 1. Also called: BCC1. Identifiers: MedGen C2751544, MONDO:0011556, OMIM 605462.
Gorlin syndrome. Also called: Basal cell nevus syndrome; Nevoid Basal Cell Carcinoma Syndrome. Identifiers: Orphanet 377, MedGen C0004779, MONDO:0007187.

Allele frequency attached by ClinVar (database versions not stated): gnomAD exomes below 0.00001.
gnomAD v4.1: 1 of 1,614,214 alleles (0.000062%); highest among the groups gnomAD compares: Non-Finnish European, 0.000085%; no homozygotes.

Submissions (3):

Labcorp Genetics (formerly Invitae), Labcorp
Classification: Uncertain significance for Gorlin syndrome. Last evaluated: 2025-11-17. Review status: criteria provided, single submitter. Criteria: Invitae Variant Classification Sherloc (09022015). Collection method: clinical testing. Allele origin: germline.
Comment: This sequence change replaces proline, which is neutral and non-polar, with serine, which is neutral and polar, at codon 1412 of the PTCH1 protein (p.Pro1412Ser). This variant is not present in population databases (gnomAD no frequency). This variant has not been reported in the literature in individuals affected with PTCH1-related conditions. ClinVar contains an entry for this variant (Variation ID: 951810). Invitae Evidence Modeling of protein sequence and biophysical properties (such as structural, functional, and spatial information, amino acid conservation, physicochemical variation, residue mobility, and thermodynamic stability) indicates that this missense variant is not expected to disrupt PTCH1 protein function with a negative predictive value of 95%. In summary, the available evidence is currently insufficient to determine the role of this variant in disease. Therefore, it has been classified as a Variant of Uncertain Significance.

Ambry Genetics
Classification: Uncertain significance for Hereditary cancer-predisposing syndrome. Last evaluated: 2025-04-18. Review status: criteria provided, single submitter. Criteria: Ambry Variant Classification Scheme 2023. Collection method: clinical testing. Allele origin: germline.
Comment: The p.P1412S variant (also known as c.4234C>T), located in coding exon 23 of the PTCH1 gene, results from a C to T substitution at nucleotide position 4234. The proline at codon 1412 is replaced by serine, an amino acid with similar properties. This amino acid position is conserved. In addition, the in silico prediction for this alteration is inconclusive. Based on the available evidence, the clinical significance of this variant remains unclear.

Baylor Genetics
Classification: Uncertain significance for Basal cell carcinoma, susceptibility to, 1. Last evaluated: 2023-11-26. Review status: criteria provided, single submitter. Criteria: ACMG Guidelines, 2015. Collection method: clinical testing. Allele origin: unknown.

NM_000264.5(PTCH1):c.4234C>T (p.Pro1412Ser)

Gene: PTCH1 (patched 1; minus strand). Cytogenetic location: 9q22.32.
Variant type: single nucleotide variant.
Coding change: c.4234C>T on transcript NM_000264.5 (MANE Select); coding-DNA position 4234, C replaced by T.
Protein change: p.Pro1412Ser; replaces proline 1412 with serine.
Molecular consequence: missense variant. On other transcripts: non-coding transcript variant (1).
Genome position (GRCh38, 1-based): chr9:95,447,022, G>A on the plus strand (C>T on the coding strand, the complement: PTCH1 is on the minus strand). VCF-style: chr9-95447022-G-A. GRCh37 (hg19) VCF-style: chr9-98209304-G-A.
Other names: c.3781C>T, p.Pro1261Ser (NM_001083604.3, NM_001083605.3, NM_001083606.3 and 1 more transcripts); c.4036C>T, p.Pro1346Ser (NM_001083602.3); c.4231C>T, p.Pro1411Ser (NM_001083603.3); c.4078C>T, p.Pro1360Ser (NM_001354918.2); short protein forms P1261S, P1360S, P1412S, P1346S, P1411S.
Identifiers: ClinVar variation 951810 (VCV000951810.12), dbSNP rs1554688130, ClinGen allele CA374110060.
Genomic context (GRCh38, chr9:95,447,022, plus strand): 5'-GCTCAATGACTTCCACCTTCGAATCCCTCCTCTCACACCGGACGTGGAAAGGCACGTGGG[G>A]GTCCTCAAACAGGCCGTGGTCAGTCTCAGGGTAGCCTGGGCAGAGTCCCCCTCGGGGGTT-3'
Protein context (NP_000255.2, residues 1402-1422): PETDHGLFED[Pro1412Ser]HVPFHVRCER